The following is an entry in ClinVar:

NM_173076.3(ABCA12):c.552A>G (p.Leu184=)

Gene: ABCA12 (ATP binding cassette subfamily A member 12; minus strand). Cytogenetic location: 2q35.
Variant type: single nucleotide variant.
Coding change: c.552A>G on transcript NM_173076.3 (MANE Select); coding-DNA position 552, A replaced by G.
Protein change: p.Leu184=; no amino-acid change (leucine 184 retained).
Molecular consequence: synonymous variant. On other transcripts: non-coding transcript variant (1).
Genome position (GRCh38, 1-based): chr2:215,049,767, T>C on the plus strand (A>G on the coding strand, the complement: ABCA12 is on the minus strand). VCF-style: chr2-215049767-T-C. GRCh37 (hg19) VCF-style: chr2-215914491-T-C.
Identifiers: ClinVar variation 334278 (VCV000334278.13), dbSNP rs34273324, ClinGen allele CA2092495.

ClinVar aggregate classification (germline): Benign. Review status: criteria provided, multiple submitters, no conflicts (2 of 4 stars). 3 submissions from 3 submitters: Benign (3). Last evaluated 2026-02-04.

Conditions:
Congenital ichthyosis of skin. Identifiers: MedGen C0020758.

Allele frequency attached by ClinVar (database versions not stated): gnomAD 0.05989 and 0.06416; TOPMed 0.06879; ESP Exome Variant Server 0.06881; 1000 Genomes Project 0.07149; 1000 Genomes Project 30x 0.07620; gnomAD exomes 0.00565 and 0.01544; ExAC 0.01975.
gnomAD v4.1: 17,779 of 1,613,492 alleles (1.1%); highest among the groups gnomAD compares: African/African-American, 20%; 1,644 homozygotes.

Submissions (3):

Labcorp Genetics (formerly Invitae), Labcorp
Classification: Benign. Last evaluated: 2026-02-04. Review status: criteria provided, single submitter. Criteria: Invitae Variant Classification Sherloc (09022015). Collection method: clinical testing. Allele origin: germline.

Illumina Laboratory Services, Illumina
Classification: Benign for Congenital ichthyosis of skin. Last evaluated: 2018-01-13. Review status: criteria provided, single submitter. Criteria: ICSL Variant Classification Criteria 13 December 2019. Collection method: clinical testing. Allele origin: germline.
Comment: This variant was observed in the ICSL laboratory as part of a predisposition screen in an ostensibly healthy population. It had not been previously curated by ICSL or reported in the Human Gene Mutation Database (HGMD: prior to June 1st, 2018), and was therefore a candidate for classification through an automated scoring system. Utilizing variant allele frequency, disease prevalence and penetrance estimates, and inheritance mode, an automated score was calculated to assess if this variant is too frequent to cause the disease. Based on the score and internal cut-off values, a variant classified as benign is not then subjected to further curation. The score for this variant resulted in a classification of benign for this disease.

Breakthrough Genomics
Classification: Benign. Review status: criteria provided, single submitter. Criteria: ACMG Guidelines, 2015. Collection method: not provided. Allele origin: germline. Inheritance: Autosomal recessive inheritance. Affected: yes.